The following is an entry in ClinVar:

NM_001367624.2(ZNF469):c.2333C>G (p.Ala778Gly)

Gene: ZNF469 (zinc finger protein 469; plus strand). Cytogenetic location: 16q24.2.
Variant type: single nucleotide variant.
Coding change: c.2333C>G on transcript NM_001367624.2 (MANE Select); coding-DNA position 2333, C replaced by G.
Protein change: p.Ala778Gly; replaces alanine 778 with glycine.
Molecular consequence: missense variant.
Genome position (GRCh38, 1-based): chr16:88,429,803, C>G. VCF-style: chr16-88429803-C-G. GRCh37 (hg19) VCF-style: chr16-88496211-C-G.
Other names: short protein forms A778G.
Identifiers: ClinVar variation 3662781 (VCV003662781.2).
Genomic context (GRCh38, chr16:88,429,803, plus strand): 5'-CCAGGGCCAAGGATGGCCACCAGCGGTCTCCAGGCCCCCCTGGGCTCCCCTCGCCCCCCG[C>G]TGCCCCCAGAGTCCCTGCCGACGCACACGCGGGCTTGCTCAGCCACGCGAAGACCTTCCT-3'
Protein context (NP_001354553.1, residues 768-788): PGPPGLPSPP[Ala778Gly]APRVPADAHA

ClinVar aggregate classification (germline): Uncertain significance (1 of 4 stars; one submission).

Submission:

Labcorp Genetics (formerly Invitae), Labcorp
Classification: Uncertain significance. Last evaluated: 2024-08-18. Review status: criteria provided, single submitter. Criteria: Invitae Variant Classification Sherloc (09022015). Collection method: clinical testing. Allele origin: germline.
Comment: This sequence change replaces alanine, which is neutral and non-polar, with glycine, which is neutral and non-polar, at codon 778 of the ZNF469 protein (p.Ala778Gly). This variant is not present in population databases (gnomAD no frequency). This variant has not been reported in the literature in individuals affected with ZNF469-related conditions. An algorithm developed to predict the effect of missense changes on protein structure and function outputs the following: PolyPhen-2: "Benign". The glycine amino acid residue is found in multiple mammalian species, which suggests that this missense change does not adversely affect protein function. In summary, the available evidence is currently insufficient to determine the role of this variant in disease. Therefore, it has been classified as a Variant of Uncertain Significance.